The following is an entry in ClinVar:

NM_001372.4(DNAH9):c.387_417+413del

Gene: DNAH9 (dynein axonemal heavy chain 9; plus strand). Cytogenetic location: 17p12.
Variant type: Deletion.
Coding change: c.387_417+413del on transcript NM_001372.4 (MANE Select); coding-DNA position 387 through 413 bases into the intron after coding-DNA position 417, 444 bases deleted.
Molecular consequence: splice donor variant.
Genome position (GRCh38, 1-based): chr17:11,598,885-11,599,328, 444 bases deleted. GRCh37 (hg19): chr17:11,502,202-11,502,645.
Identifiers: ClinVar variation 2016388 (VCV002016388.4), dbSNP rs2544176879, ClinGen allele CA2580092604.

ClinVar aggregate classification (germline): Likely pathogenic (1 of 4 stars; one submission).

Submission:

Labcorp Genetics (formerly Invitae), Labcorp
Classification: Likely pathogenic. Last evaluated: 2022-07-12. Review status: criteria provided, single submitter. Criteria: Invitae Variant Classification Sherloc (09022015). Collection method: clinical testing. Allele origin: germline.
Comment: This variant results in the deletion of part of exon 1 (c.387_417+413del) of the DNAH9 gene. It is expected to disrupt RNA splicing. Variants that disrupt the donor or acceptor splice site typically lead to a loss of protein function (PMID: 16199547), and loss-of-function variants in DNAH9 are known to be pathogenic (PMID: 30471718). The frequency data for this variant in the population databases is considered unreliable, as metrics indicate insufficient coverage at this position in the gnomAD database. This variant has not been reported in the literature in individuals affected with DNAH9-related conditions. In summary, the currently available evidence indicates that the variant is pathogenic, but additional data are needed to prove that conclusively. Therefore, this variant has been classified as Likely Pathogenic.

Literature cited by the submitters: PubMed 16199547; PubMed 30471718.